The following is an entry in ClinVar:

ClinVar aggregate classification (germline): Conflicting classifications of pathogenicity. Review status: criteria provided, conflicting classifications (1 of 4 stars). 3 submissions from 3 submitters: Uncertain significance (2); Likely benign (1). Last evaluated 2025-07-31.

Conditions:
Global developmental delay - lung cysts - overgrowth - Wilms tumor syndrome. Also called: GLOW Syndrome; GLOBAL DEVELOPMENTAL DELAY, LUNG CYSTS, OVERGROWTH, AND WILMS TUMOR. Identifiers: Orphanet 404476, MedGen C4748924, MONDO:0018445, OMIM 618272.
Euthyroid goiter (MNG1). Also called: Goiter, multinodular 1, with or without Sertoli-Leydig cell tumors; MULTINODULAR GOITER, ADOLESCENT; SIMPLE GOITER; GOITER, NONTOXIC, WITH INTRATHYROIDAL CALCIFICATION. Identifiers: Orphanet 276399, MedGen C0302859, MONDO:0007681, OMIM 138800, HP:0009798.
Pleuropulmonary blastoma (PPB). Identifiers: Orphanet 64742, MedGen C1266144, MONDO:0011014, OMIM 601200, HP:0100528.
Rhabdomyosarcoma, embryonal, 2 (RMSE2). Identifiers: MedGen C1867234, MONDO:0859046, OMIM 180295.
DICER1-related tumor predisposition. Also called: DICER1 syndrome; DICER1-related pleuropulmonary blastoma cancer predisposition syndrome. Identifiers: Orphanet 284343, MedGen C3839822, MONDO:0100216.

Allele frequency attached by ClinVar (database versions not stated): gnomAD 0.00002; TOPMed 0.00006.
gnomAD v4.1: 3 of 1,612,710 alleles (0.00019%); highest among the groups gnomAD compares: African/African-American, 0.0027%; no homozygotes.

Submissions (3):

Labcorp Genetics (formerly Invitae), Labcorp
Classification: Likely benign for DICER1-related tumor predisposition. Last evaluated: 2025-07-31. Review status: criteria provided, single submitter. Criteria: Invitae Variant Classification Sherloc (09022015). Collection method: clinical testing. Allele origin: germline.

St. Jude Molecular Pathology, St. Jude Children's Research Hospital
Classification: Uncertain significance for Pleuropulmonary blastoma. Last evaluated: 2024-01-08. Review status: criteria provided, single submitter. Criteria: St. Jude Assertion Criteria 2020. Collection method: clinical testing. Allele origin: germline.
Comment: The DICER1 c.1377-18T>A intronic change results in a T to A substitution at the -18 position of intron 8 of the DICER1 gene. Algorithms that predict the impact of sequence changes on splicing indicate that this change may impact splicing, but these predictions have not been confirmed by RNA studies. This variant has a maximum subpopulation frequency of 0.011% in gnomAD v2.1.1. This variant has not been reported in individuals with DICER1-associated tumors. In summary, the evidence currently available is insufficient to determine the clinical significance of this variant. It has therefore been classified as of uncertain significance.?

Fulgent Genetics
Classification: Uncertain significance for Euthyroid goiter; Rhabdomyosarcoma, embryonal, 2; Pleuropulmonary blastoma; Global developmental delay - lung cysts - overgrowth - Wilms tumor syndrome. Last evaluated: 2022-04-08. Review status: criteria provided, single submitter. Criteria: ACMG Guidelines, 2015. Collection method: clinical testing. Allele origin: unknown.

NM_177438.3(DICER1):c.1377-18T>A

Gene: DICER1 (dicer 1, ribonuclease III; minus strand). Cytogenetic location: 14q32.13.
Variant type: single nucleotide variant.
Coding change: c.1377-18T>A on transcript NM_177438.3 (MANE Select); 18 bases into the intron before coding-DNA position 1377, T replaced by A.
Molecular consequence: intron variant.
Genome position (GRCh38, 1-based): chr14:95,117,772, A>T on the plus strand (T>A on the coding strand, the complement: DICER1 is on the minus strand). VCF-style: chr14-95117772-A-T. GRCh37 (hg19) VCF-style: chr14-95584109-A-T.
Other names: c.1377-18T>A (NM_001291628.2, NM_030621.4, NM_001271282.3 and 2 more transcripts).
Identifiers: ClinVar variation 1407132 (VCV001407132.11), dbSNP rs1032236740, ClinGen allele CA265917388.